The following is an entry in ClinVar:

ClinVar aggregate classification (germline): Uncertain significance (1 of 4 stars; one submission).

Conditions:
Global developmental delay with speech and behavioral abnormalities. Identifiers: MedGen C5543226, MONDO:0030995, OMIM 619243.

Submission:

Department of Human Genetics, Hannover Medical School
Classification: Uncertain significance for Global developmental delay with speech and behavioral abnormalities. Last evaluated: 2026-06-10. Review status: criteria provided, single submitter. Criteria: ACMG Guidelines, 2015. Collection method: clinical testing. Allele origin: germline. Affected: yes.
Comment: PM1_Supporting, PM2_Supporting

NM_001162501.2(TNRC6B):c.4462G>A (p.Gly1488Ser)

Gene: TNRC6B (trinucleotide repeat containing adaptor 6B; plus strand). Cytogenetic location: 22q13.1.
Variant type: single nucleotide variant.
Coding change: c.4462G>A on transcript NM_001162501.2 (MANE Select); coding-DNA position 4462, G replaced by A.
Protein change: p.Gly1488Ser; replaces glycine 1488 with serine.
Molecular consequence: missense variant.
Genome position (GRCh38, 1-based): chr22:40,312,531, G>A. VCF-style: chr22-40312531-G-A. GRCh37 (hg19) VCF-style: chr22-40708535-G-A.
Other names: c.2050G>A, p.Gly684Ser (NM_001024843.2); c.4132G>A, p.Gly1378Ser (NM_015088.3); short protein forms G1378S, G1488S, G684S.
Identifiers: ClinVar variation 4852818 (VCV004852818.1).